The following is an entry in ClinVar:

NM_006648.4(WNK2):c.3415G>A (p.Gly1139Arg)

Gene: WNK2 (WNK lysine deficient protein kinase 2; plus strand). Cytogenetic location: 9q22.31.
Variant type: single nucleotide variant.
Coding change: c.3415G>A on transcript NM_006648.4 (MANE Select); coding-DNA position 3415, G replaced by A.
Protein change: p.Gly1139Arg; replaces glycine 1139 with arginine.
Molecular consequence: missense variant.
Genome position (GRCh38, 1-based): chr9:93,263,570, G>A. VCF-style: chr9-93263570-G-A. GRCh37 (hg19) VCF-style: chr9-96025852-G-A.
Other names: c.3415G>A, p.Gly1139Arg (NM_001282394.3); short protein forms G1139R.
Identifiers: ClinVar variation 3816831 (VCV003816831.1).

ClinVar aggregate classification (germline): Uncertain significance (1 of 4 stars; one submission).

Submission:

Ambry Genetics
Classification: Uncertain significance. Last evaluated: 2025-01-13. Review status: criteria provided, single submitter. Criteria: Ambry Variant Classification Scheme 2023. Collection method: clinical testing. Allele origin: germline.
Comment: The p.G1139R variant (also known as c.3415G>A), located in coding exon 14 of the WNK2 gene, results from a G to A substitution at nucleotide position 3415. The glycine at codon 1139 is replaced by arginine, an amino acid with dissimilar properties. This amino acid position is conserved. In addition, the in silico prediction for this alteration is inconclusive. Based on the available evidence, the clinical significance of this variant remains unclear.